The following is an entry in ClinVar:

ClinVar aggregate classification (germline): Uncertain significance. Review status: criteria provided, multiple submitters, no conflicts (2 of 4 stars). 2 submissions from 2 submitters: Uncertain significance (2). Last evaluated 2025-12-16.

Allele frequency attached by ClinVar (database versions not stated): gnomAD 0.00001; gnomAD exomes 0.00001; ExAC 0.00002.
gnomAD v4.1: 13 of 1,613,758 alleles (0.00081%); highest among the groups gnomAD compares: South Asian, 0.012%; no homozygotes.

Submissions (2):

Ambry Genetics
Classification: Uncertain significance. Last evaluated: 2025-12-16. Review status: criteria provided, single submitter. Criteria: Ambry Variant Classification Scheme 2023. Collection method: clinical testing. Allele origin: germline.

Labcorp Genetics (formerly Invitae), Labcorp
Classification: Uncertain significance. Last evaluated: 2021-11-15. Review status: criteria provided, single submitter. Criteria: Invitae Variant Classification Sherloc (09022015). Collection method: clinical testing. Allele origin: germline.
Comment: In summary, the available evidence is currently insufficient to determine the role of this variant in disease. Therefore, it has been classified as a Variant of Uncertain Significance. Algorithms developed to predict the effect of missense changes on protein structure and function are either unavailable or do not agree on the potential impact of this missense change (SIFT: "Deleterious"; PolyPhen-2: "Possibly Damaging"; Align-GVGD: "Class C0"). This variant has not been reported in the literature in individuals affected with NUP205-related conditions. This variant is present in population databases (rs763378695, gnomAD 0.01%). This sequence change replaces alanine, which is neutral and non-polar, with glutamic acid, which is acidic and polar, at codon 651 of the NUP205 protein (p.Ala651Glu).

NM_015135.3(NUP205):c.1952C>A (p.Ala651Glu)

Gene: NUP205 (nucleoporin 205; plus strand). Cytogenetic location: 7q33.
Variant type: single nucleotide variant.
Coding change: c.1952C>A on transcript NM_015135.3 (MANE Select); coding-DNA position 1952, C replaced by A.
Protein change: p.Ala651Glu; replaces alanine 651 with glutamic acid.
Molecular consequence: missense variant.
Genome position (GRCh38, 1-based): chr7:135,594,668, C>A. VCF-style: chr7-135594668-C-A. GRCh37 (hg19) VCF-style: chr7-135279416-C-A.
Other names: c.878C>A, p.Ala293Glu (NM_001329434.2); c.1952C>A (NM_015135.2); short protein forms A293E, A651E.
Identifiers: ClinVar variation 1434747 (VCV001434747.7), dbSNP rs763378695, ClinGen allele CA4498223.